The following is an entry in ClinVar:

NM_024642.5(GALNT12):c.1511A>C (p.Glu504Ala)

Gene: GALNT12 (polypeptide N-acetylgalactosaminyltransferase 12; plus strand). Cytogenetic location: 9q22.33.
Variant type: single nucleotide variant.
Coding change: c.1511A>C on transcript NM_024642.5 (MANE Select); coding-DNA position 1511, A replaced by C.
Protein change: p.Glu504Ala; replaces glutamic acid 504 with alanine.
Molecular consequence: missense variant.
Genome position (GRCh38, 1-based): chr9:98,846,029, A>C. VCF-style: chr9-98846029-A-C. GRCh37 (hg19) VCF-style: chr9-101608311-A-C.
Other names: short protein forms E504A.
Identifiers: ClinVar variation 2451758 (VCV002451758.3), dbSNP rs2490557544, ClinGen allele CA374221700.

ClinVar aggregate classification (germline): Uncertain significance (1 of 4 stars; one submission).

Submission:

Ambry Genetics
Classification: Uncertain significance. Last evaluated: 2025-04-18. Review status: criteria provided, single submitter. Criteria: Ambry Variant Classification Scheme 2023. Collection method: clinical testing. Allele origin: germline.
Comment: The p.E504A variant (also known as c.1511A>C), located in coding exon 9 of the GALNT12 gene, results from an A to C substitution at nucleotide position 1511. The glutamic acid at codon 504 is replaced by alanine, an amino acid with dissimilar properties. This amino acid position is conserved. In addition, this alteration is predicted to be tolerated by in silico analysis. Since supporting evidence is limited at this time, the clinical significance of this alteration remains unclear.